The following is an entry in ClinVar:

NM_001371246.1(SCN2A):c.650G>A (p.Arg217Gln)

Gene: SCN2A (sodium voltage-gated channel alpha subunit 2; plus strand). Cytogenetic location: 2q24.3.
Variant type: single nucleotide variant.
Coding change: c.650G>A on transcript NM_001371246.1 (MANE Plus Clinical); coding-DNA position 650, G replaced by A.
Protein change: p.Arg217Gln; replaces arginine 217 with glutamine.
Molecular consequence: missense variant. On other transcripts: intron variant (3).
Genome position (GRCh38, 1-based): chr2:165,309,209, G>A. VCF-style: chr2-165309209-G-A. GRCh37 (hg19) VCF-style: chr2-166165719-G-A.
Other names: c.650G>A, p.Arg217Gln (NM_001040143.2); c.606-143G>A (NM_001040142.2, NM_001371247.1, NM_021007.3); short protein forms R217Q.
Identifiers: ClinVar variation 3774705 (VCV003774705.2).
Genomic context (GRCh38, chr2:165,309,209, plus strand): 5'-TGATTTAATTCTACAGGTATGTAACAGAATTTGTAAACCTAGGCAATGTTTCAGCTCTTC[G>A]AACTTTCAGAGTCTTGAGAGCTTTGAAAACTATTTCTGTAATTCCAGGTAAGAAGAAAAT-3'
Protein context (NP_001358175.1, residues 207-227): FVNLGNVSAL[Arg217Gln]TFRVLRALKT

ClinVar aggregate classification (germline): Uncertain significance (1 of 4 stars; one submission).

Submission:

GeneDx
Classification: Uncertain significance. Last evaluated: 2026-07-20. Review status: criteria provided, single submitter. Criteria: GeneDx Variant Classification Process June 2021. Collection method: clinical testing. Allele origin: germline.
Comment: Not observed at significant frequency in large population cohorts (gnomAD); In silico analysis supports a deleterious effect on splicing; Has not been previously published as pathogenic or benign to our knowledge; In silico analysis is inconclusive as to whether the variant alters gene splicing. In the absence of RNA/functional studies, the actual effect of this sequence change is unknown.; Reported using an alternate transcript of the gene